The following is an entry in ClinVar:

ClinVar aggregate classification (germline): Pathogenic (1 of 4 stars; one submission).

Conditions:
Polycystic kidney disease 9, susceptibility to. Identifiers: MedGen C6012712, MONDO:0976267, OMIM 621164.

Submission:

MVZ Medizinische Genetik Mainz
Classification: Pathogenic for Polycystic kidney disease 9, susceptibility to. Last evaluated: 2026-08-04. Review status: criteria provided, single submitter. Criteria: UK Practice Guidelines For Variant Classification V4 01 2020. Collection method: clinical testing. Allele origin: germline. Inheritance: Autosomal dominant inheritance. Affected: yes. Observed: 1 variant allele.
Comment: ACMG Criteria: PVS1,PS4_SUP,PM2_SUP

NM_014714.4(IFT140):c.3763C>T (p.Gln1255Ter)

Gene: IFT140 (intraflagellar transport 140; minus strand). Cytogenetic location: 16p13.3.
Variant type: single nucleotide variant.
Coding change: c.3763C>T on transcript NM_014714.4 (MANE Select); coding-DNA position 3763, C replaced by T.
Protein change: p.Gln1255Ter; replaces glutamine 1255 with a stop codon.
Molecular consequence: nonsense.
Genome position (GRCh38, 1-based): chr16:1,520,241, G>A on the plus strand (C>T on the coding strand, the complement: IFT140 is on the minus strand). VCF-style: chr16-1520241-G-A. GRCh37 (hg19) VCF-style: chr16-1570242-G-A.
Other names: short protein forms Q1255*.
Identifiers: ClinVar variation 5038246 (VCV005038246.1).